The following is an entry in ClinVar:

ClinVar aggregate classification (germline): Uncertain significance (1 of 4 stars; one submission).

Conditions:
History of neurodevelopmental disorder. Identifiers: MedGen C2711754.

Submission:

Ambry Genetics
Classification: Uncertain significance for History of neurodevelopmental disorder. Last evaluated: 2014-11-20. Review status: criteria provided, single submitter. Criteria: Ambry Autosomal Dominant and X-Linked criteria (10/2015). Collection method: clinical testing. Allele origin: germline. Observed: 1 variant allele.
Comment: There is insufficient or conflicting evidence for classification of this alteration.

NM_006306.4(SMC1A):c.413G>A (p.Gly138Asp)

Gene: SMC1A (structural maintenance of chromosomes 1A; minus strand). Cytogenetic location: Xp11.22.
Variant type: single nucleotide variant.
Coding change: c.413G>A on transcript NM_006306.4 (MANE Select); coding-DNA position 413, G replaced by A.
Protein change: p.Gly138Asp; replaces glycine 138 with aspartic acid.
Molecular consequence: missense variant.
Genome position (GRCh38, 1-based): chrX:53,413,434, C>T on the plus strand (G>A on the coding strand, the complement: SMC1A is on the minus strand). VCF-style: chrX-53413434-C-T. GRCh37 (hg19) VCF-style: chrX-53440384-C-T.
Other names: c.347G>A, p.Gly116Asp (NM_001281463.1); short protein forms G116D, G138D.
Identifiers: ClinVar variation 590254 (VCV000590254.3), dbSNP rs1569359134, ClinGen allele CA413259596.